The following is an entry in ClinVar:

NM_000642.3(AGL):c.2194G>A (p.Val732Ile)

Gene: AGL (amylo-alpha-1,6-glucosidase and 4-alpha-glucanotransferase; plus strand). Cytogenetic location: 1p21.2.
Variant type: single nucleotide variant.
Coding change: c.2194G>A on transcript NM_000642.3 (MANE Select); coding-DNA position 2194, G replaced by A.
Protein change: p.Val732Ile; replaces valine 732 with isoleucine.
Molecular consequence: missense variant.
Genome position (GRCh38, 1-based): chr1:99,881,577, G>A. VCF-style: chr1-99881577-G-A. GRCh37 (hg19) VCF-style: chr1-100347133-G-A.
Other names: c.2194G>A, p.Val732Ile (NM_000028.3, NM_000643.3, NM_000644.3 and 2 more transcripts); c.2146G>A, p.Val716Ile (NM_000646.3); c.1990G>A, p.Val664Ile (NM_001425328.1, NM_001425329.1); c.1816G>A, p.Val606Ile (NM_001425332.1); c.1993G>A, p.Val665Ile (NM_001425327.1); short protein forms V716I, V732I, V606I, V664I, V665I.
Identifiers: ClinVar variation 2050100 (VCV002050100.1), dbSNP rs766780186, ClinGen allele CA966713.

ClinVar aggregate classification (germline): Uncertain significance (1 of 4 stars; one submission).

Conditions:
Glycogen storage disease type III (GSD3). Also called: Cori disease; FORBES DISEASE. Identifiers: Orphanet 366, MedGen C0017922, MONDO:0009291, OMIM 232400.

Allele frequency attached by ClinVar (database versions not stated): ExAC 0.00001; gnomAD exomes 0.00001; TOPMed 0.00001.
gnomAD v4.1: 13 of 1,614,042 alleles (0.00081%); highest among the groups gnomAD compares: Non-Finnish European, 0.001%; no homozygotes.

Submission:

Labcorp Genetics (formerly Invitae), Labcorp
Classification: Uncertain significance for Glycogen storage disease type III. Last evaluated: 2022-06-12. Review status: criteria provided, single submitter. Criteria: Invitae Variant Classification Sherloc (09022015). Collection method: clinical testing. Allele origin: germline.
Comment: This sequence change replaces valine, which is neutral and non-polar, with isoleucine, which is neutral and non-polar, at codon 732 of the AGL protein (p.Val732Ile). This variant is present in population databases (rs766780186, gnomAD 0.002%). This variant has not been reported in the literature in individuals affected with AGL-related conditions. Algorithms developed to predict the effect of missense changes on protein structure and function (SIFT, PolyPhen-2, Align-GVGD) all suggest that this variant is likely to be tolerated. In summary, the available evidence is currently insufficient to determine the role of this variant in disease. Therefore, it has been classified as a Variant of Uncertain Significance.